The following is an entry in ClinVar:

ClinVar aggregate classification (germline): Uncertain significance (1 of 4 stars; one submission).

Conditions:
Cone-rod dystrophy 13 (CORD13). Identifiers: Orphanet 1872, MedGen C2750720, MONDO:0011987, OMIM 608194.
Leber congenital amaurosis 6 (LCA6). Identifiers: Orphanet 65, MedGen C1854260, MONDO:0013446, OMIM 613826.

Allele frequency attached by ClinVar (database versions not stated): gnomAD exomes below 0.00001; ExAC 0.00001.

Submission:

Labcorp Genetics (formerly Invitae), Labcorp
Classification: Uncertain significance for Leber congenital amaurosis 6; Cone-rod dystrophy 13. Last evaluated: 2022-08-15. Review status: criteria provided, single submitter. Criteria: Invitae Variant Classification Sherloc (09022015). Collection method: clinical testing. Allele origin: germline.
Comment: ClinVar contains an entry for this variant (Variation ID: 1379511). Algorithms developed to predict the effect of missense changes on protein structure and function are either unavailable or do not agree on the potential impact of this missense change (SIFT: "Tolerated"; PolyPhen-2: "Possibly Damaging"; Align-GVGD: "Class C0"). In summary, the available evidence is currently insufficient to determine the role of this variant in disease. Therefore, it has been classified as a Variant of Uncertain Significance. This sequence change replaces leucine, which is neutral and non-polar, with methionine, which is neutral and non-polar, at codon 816 of the RPGRIP1 protein (p.Leu816Met). This variant has not been reported in the literature in individuals affected with RPGRIP1-related conditions. This variant is present in population databases (rs761438226, gnomAD 0.003%).

NM_020366.4(RPGRIP1):c.2446C>A (p.Leu816Met)

Gene: RPGRIP1 (RPGR interacting protein 1; plus strand). Cytogenetic location: 14q11.2.
Variant type: single nucleotide variant.
Coding change: c.2446C>A on transcript NM_020366.4 (MANE Select); coding-DNA position 2446, C replaced by A.
Protein change: p.Leu816Met; replaces leucine 816 with methionine.
Molecular consequence: missense variant. On other transcripts: intron variant (4).
Genome position (GRCh38, 1-based): chr14:21,325,909, C>A. VCF-style: chr14-21325909-C-A. GRCh37 (hg19) VCF-style: chr14-21794068-C-A.
Other names: c.1372C>A, p.Leu458Met (NM_001377948.1); c.796+1184C>A (NM_001377949.1); c.689-1714C>A (NM_001377523.1, NM_001377950.1); c.191-1714C>A (NM_001377951.1); short protein forms L458M, L816M.
Identifiers: ClinVar variation 1379511 (VCV001379511.7), dbSNP rs761438226, ClinGen allele CA7089265.